The following is an entry in ClinVar:

NM_000059.4(BRCA2):c.6396dupA

Gene: BRCA2 (BRCA2 DNA repair associated; plus strand). Cytogenetic location: 13q13.1.
Variant type: Duplication.
Coding change: c.6396dupA on transcript NM_000059.4; coding-DNA position 6396, one base duplicated (A).
Genome position (GRCh38, 1-based): chr13:32,340,751, A duplicated. VCF-style (leftmost placement, unchanged base first): chr13-32340750-T-TA. GRCh37 (hg19) VCF-style: chr13-32914887-T-TA.
Other names: 6624insA-ter2135; c.6396dup, p.Ser2133fs (LRG_293t1).
Identifiers: ClinVar variation 266944 (VCV000266944.8), dbSNP rs886040654, ClinGen allele CA10589374.

ClinVar aggregate classification (germline): Pathogenic. Review status: reviewed by expert panel (3 of 4 stars). 4 submissions from 4 submitters: Pathogenic (1). 3 of the submissions do not count toward it. Last evaluated 2016-10-18.

Conditions:
Breast-ovarian cancer, familial, susceptibility to, 2 (BROVCA2). Also called: BRCA2 Hereditary Breast and Ovarian Cancer. Identifiers: Orphanet 145, MedGen C2675520, MONDO:0012933, OMIM 612555. Disease mechanism: loss of function.
Hereditary breast ovarian cancer syndrome. Also called: BRCA1- and BRCA2-Associated Hereditary Breast and Ovarian Cancer; Hereditary breast and ovarian cancer; Breast and ovarian cancer; Hereditary breast and/or ovarian cancer syndrome; Hereditary breast and ovarian cancer syndrome; Hereditary breast and ovarian cancer syndrome (HBOC). Identifiers: Orphanet 145, MedGen C0677776, MeSH D061325, MONDO:0003582. Disease mechanism: loss of function.

Submissions (4):

Evidence-based Network for the Interpretation of Germline Mutant Alleles (ENIGMA)
Classification: Pathogenic for Breast-ovarian cancer, familial, susceptibility to, 2. Last evaluated: 2016-10-18. Review status: reviewed by expert panel. Criteria: ENIGMA BRCA1/2 Classification Criteria (2015). Collection method: curation. Allele origin: germline.
Comment: Variant allele predicted to encode a truncated non-functional protein.

Labcorp Genetics (formerly Invitae), Labcorp
Classification: Pathogenic for Hereditary breast ovarian cancer syndrome. Last evaluated: 2025-11-23. Review status: criteria provided, single submitter. Criteria: Invitae Variant Classification Sherloc (09022015). Collection method: clinical testing. Allele origin: germline. Not counted in ClinVar's aggregate classification.
Comment: This sequence change creates a premature translational stop signal (p.Ser2133Ilefs*3) in the BRCA2 gene. It is expected to result in an absent or disrupted protein product. Loss-of-function variants in BRCA2 are known to be pathogenic (PMID: 20104584). This variant is not present in population databases (gnomAD no frequency). This variant has not been reported in the literature in individuals affected with BRCA2-related conditions. ClinVar contains an entry for this variant (Variation ID: 266944). For these reasons, this variant has been classified as Pathogenic.

Consortium of Investigators of Modifiers of BRCA1/2 (CIMBA), c/o University of Cambridge
Classification: Pathogenic for Breast-ovarian cancer, familial, susceptibility to, 2. Last evaluated: 2015-10-02. Review status: criteria provided, single submitter. Criteria: CIMBA Mutation Classification guidelines May 2016. Collection method: clinical testing. Allele origin: germline. Not counted in ClinVar's aggregate classification.

Research Molecular Genetics Laboratory, Women's College Hospital, University of Toronto
Classification: Pathogenic for Hereditary breast ovarian cancer syndrome. Last evaluated: 2014-01-31. Review status: no assertion criteria provided. Collection method: research. Allele origin: germline. Affected: yes. Study: The Canadian Open Genetics Repository (COGR). Not counted in ClinVar's aggregate classification.

Literature cited by the submitters: PubMed 20104584 (cited by Labcorp Genetics (formerly Invitae), Labcorp).